The following is an entry in ClinVar:

NM_001111077.2(EZR):c.17A>G (p.Asn6Ser)

Gene: EZR (ezrin; minus strand). Cytogenetic location: 6q25.3.
Variant type: single nucleotide variant.
Coding change: c.17A>G on transcript NM_001111077.2 (MANE Select); coding-DNA position 17, A replaced by G.
Protein change: p.Asn6Ser; replaces asparagine 6 with serine.
Molecular consequence: missense variant.
Genome position (GRCh38, 1-based): chr6:158,789,367, T>C on the plus strand (A>G on the coding strand, the complement: EZR is on the minus strand). VCF-style: chr6-158789367-T-C. GRCh37 (hg19) VCF-style: chr6-159210399-T-C.
Other names: NC_000006.11:g.159210399T>C; c.17A>G, p.Asn6Ser (NM_003379.5); short protein forms N6S.
Identifiers: ClinVar variation 3033164 (VCV003033164.3), dbSNP rs144581330, ClinGen allele CA4075455.

ClinVar aggregate classification (germline): Benign (0 of 4 stars; one submission).

Conditions:
EZR-related disorder. Also called: EZR-related condition.

Allele frequency attached by ClinVar (database versions not stated): gnomAD exomes 0.00064; gnomAD 0.00082; TOPMed 0.00105; ExAC 0.00156; 1000 Genomes Project 30x 0.00375; 1000 Genomes Project 0.00399.

Submissions (12):

PreventionGenetics, part of Exact Sciences
Classification: Benign for EZR-related condition. Last evaluated: 2019-09-10. Review status: no assertion criteria provided. Collection method: clinical testing. Allele origin: germline.
Comment: This variant is classified as benign based on ACMG/AMP sequence variant interpretation guidelines (Richards et al. 2015 PMID: 25741868, with internal and published modifications).

Dr. Peter K. Rogan Lab, Western University
No classification provided (evidence only). Condition: Lung cancer. Review status: no classification provided. Collection method: in vitro. Allele origin: not applicable. Functional consequence: skipped exon. Not counted in ClinVar's aggregate classification.

Dr. Peter K. Rogan Lab, Western University
No classification provided (evidence only). Condition: Thyroid cancer, nonmedullary, 1. Review status: no classification provided. Collection method: in vitro. Allele origin: not applicable. Functional consequence: retained intron. Not counted in ClinVar's aggregate classification.

Dr. Peter K. Rogan Lab, Western University
No classification provided (evidence only). Condition: Cervical cancer. Review status: no classification provided. Collection method: in vitro. Allele origin: not applicable. Functional consequence: skipped exon, retained intron. Not counted in ClinVar's aggregate classification.

Dr. Peter K. Rogan Lab, Western University
No classification provided (evidence only). Condition: Sarcoma. Review status: no classification provided. Collection method: in vitro. Allele origin: not applicable. Functional consequence: retained intron. Not counted in ClinVar's aggregate classification.

Dr. Peter K. Rogan Lab, Western University
No classification provided (evidence only). Condition: Malignant lymphoma, large B-cell, diffuse. Review status: no classification provided. Collection method: in vitro. Allele origin: not applicable. Functional consequence: retained intron. Not counted in ClinVar's aggregate classification.

Dr. Peter K. Rogan Lab, Western University
No classification provided (evidence only). Condition: Hepatocellular carcinoma. Review status: no classification provided. Collection method: in vitro. Allele origin: not applicable. Functional consequence: retained intron. Not counted in ClinVar's aggregate classification.

Dr. Peter K. Rogan Lab, Western University
No classification provided (evidence only). Condition: Hepatocellular carcinoma. Review status: no classification provided. Collection method: in vitro. Allele origin: not applicable. Functional consequence: retained intron. Not counted in ClinVar's aggregate classification.

Dr. Peter K. Rogan Lab, Western University
No classification provided (evidence only). Condition: Ovarian serous cystadenocarcinoma. Review status: no classification provided. Collection method: in vitro. Allele origin: not applicable. Functional consequence: retained intron. Not counted in ClinVar's aggregate classification.

Dr. Peter K. Rogan Lab, Western University
No classification provided (evidence only). Condition: Gastric cancer. Review status: no classification provided. Collection method: in vitro. Allele origin: not applicable. Functional consequence: retained intron. Not counted in ClinVar's aggregate classification.

Dr. Peter K. Rogan Lab, Western University
No classification provided (evidence only). Condition: Gastric cancer. Review status: no classification provided. Collection method: in vitro. Allele origin: not applicable. Functional consequence: retained intron. Not counted in ClinVar's aggregate classification.

Dr. Peter K. Rogan Lab, Western University
No classification provided (evidence only). Condition: Gastric cancer. Review status: no classification provided. Collection method: in vitro. Allele origin: not applicable. Functional consequence: retained intron. Not counted in ClinVar's aggregate classification.